The following is an entry in ClinVar:

NM_020639.3(RIPK4):c.1311C>T (p.Ser437=)

Gene: RIPK4 (receptor interacting serine/threonine kinase 4; minus strand). Cytogenetic location: 21q22.3.
Variant type: single nucleotide variant.
Coding change: c.1311C>T on transcript NM_020639.3 (MANE Select); coding-DNA position 1311, C replaced by T.
Protein change: p.Ser437=; no amino-acid change (serine 437 retained).
Molecular consequence: synonymous variant.
Genome position (GRCh38, 1-based): chr21:41,741,882, G>A on the plus strand (C>T on the coding strand, the complement: RIPK4 is on the minus strand). VCF-style: chr21-41741882-G-A. GRCh37 (hg19) VCF-style: chr21-43162042-G-A.
Identifiers: ClinVar variation 340021 (VCV000340021.12), dbSNP rs56149248, ClinGen allele CA10035333.

ClinVar aggregate classification (germline): Benign/Likely benign. Review status: criteria provided, multiple submitters, no conflicts (2 of 4 stars). 4 submissions from 4 submitters: Benign (2); Likely benign (2). Last evaluated 2021-03-23.

Conditions:
Bartsocas-Papas syndrome 1. Also called: Bartsocas-Papas syndrome; MULTIPLE PTERYGIUM SYNDROME, ASLAN TYPE; PTERYGIUM, POPLITEAL, LETHAL TYPE. Identifiers: Orphanet 1234, MedGen C1849718, MONDO:0009901, OMIM 263650.

Allele frequency attached by ClinVar (database versions not stated): gnomAD exomes 0.00280; ExAC 0.00337; gnomAD 0.01053 and 0.01122; TOPMed 0.01119; 1000 Genomes Project 0.01278; ESP Exome Variant Server 0.01330; 1000 Genomes Project 30x 0.01359.
gnomAD v4.1: 3,220 of 1,613,402 alleles (0.2%); highest among the groups gnomAD compares: African/African-American, 3.4%; 37 homozygotes.

Submissions (4):

GeneDx
Classification: Likely benign. Last evaluated: 2021-03-23. Review status: criteria provided, single submitter. Criteria: GeneDx Variant Classification Process June 2021. Collection method: clinical testing. Allele origin: germline. Affected: yes.

Labcorp Genetics (formerly Invitae), Labcorp
Classification: Benign. Last evaluated: 2019-12-31. Review status: criteria provided, single submitter. Criteria: Invitae Variant Classification Sherloc (09022015). Collection method: clinical testing. Allele origin: germline.

Illumina Laboratory Services, Illumina
Classification: Benign for Bartsocas-Papas syndrome 1. Last evaluated: 2018-01-12. Review status: criteria provided, single submitter. Criteria: ICSL Variant Classification Criteria 13 December 2019. Collection method: clinical testing. Allele origin: germline.
Comment: This variant was observed in the ICSL laboratory as part of a predisposition screen in an ostensibly healthy population. It had not been previously curated by ICSL or reported in the Human Gene Mutation Database (HGMD: prior to June 1st, 2018), and was therefore a candidate for classification through an automated scoring system. Utilizing variant allele frequency, disease prevalence and penetrance estimates, and inheritance mode, an automated score was calculated to assess if this variant is too frequent to cause the disease. Based on the score and internal cut-off values, a variant classified as benign is not then subjected to further curation. The score for this variant resulted in a classification of benign for this disease.

Breakthrough Genomics
Classification: Likely benign. Review status: criteria provided, single submitter. Criteria: ACMG Guidelines, 2015. Collection method: not provided. Allele origin: germline. Inheritance: Autosomal recessive inheritance. Affected: yes.